The following is an entry in ClinVar:

ClinVar aggregate classification (germline): Conflicting classifications of pathogenicity. Review status: criteria provided, conflicting classifications (1 of 4 stars). 8 submissions from 8 submitters: Uncertain significance (1); Benign (1); Likely benign (6). Last evaluated 2026-01-12.

Conditions:
Hereditary cancer-predisposing syndrome. Also called: Tumor predisposition; Neoplastic Syndromes, Hereditary; Hereditary neoplastic syndrome; Hereditary Cancer Syndrome. Identifiers: Orphanet 140162, MedGen C0027672, MeSH D009386, MONDO:0015356.
Hereditary diffuse gastric adenocarcinoma (HDGC). Also called: DIFFUSE GASTRIC AND LOBULAR BREAST CANCER SYNDROME. Identifiers: Orphanet 26106, MedGen C1708349, MONDO:0007648, OMIM 137215.

Allele frequency attached by ClinVar (database versions not stated): gnomAD exomes below 0.00001 and 0.00002.
gnomAD v4.1: 34 of 1,614,136 alleles (0.0021%); highest among the groups gnomAD compares: Non-Finnish European, 0.0029%; no homozygotes.

Submissions (8):

Labcorp Genetics (formerly Invitae), Labcorp
Classification: Likely benign for Hereditary diffuse gastric adenocarcinoma. Last evaluated: 2026-01-12. Review status: criteria provided, single submitter. Criteria: Invitae Variant Classification Sherloc (09022015). Collection method: clinical testing. Allele origin: germline.

Quest Diagnostics Nichols Institute San Juan Capistrano
Classification: Uncertain significance. Last evaluated: 2024-12-05. Review status: criteria provided, single submitter. Criteria: Quest Diagnostics criteria. Collection method: clinical testing. Allele origin: unknown.
Comment: The CDH1 c.420C>G (p.Leu140=) synonymous variant has not been reported in individuals with CDH1-related conditions in the published literature. The frequency of this variant in the general population (Genome Aggregation Database) is uninformative in the assessment of its pathogenicity. Analysis of this variant using software algorithms for the prediction of the effect of nucleotide changes on splicing yielded predictions that this variant does not affect CDH1 mRNA splicing. Based on the available information, we are unable to determine the clinical significance of this variant.

Myriad Genetics, Inc.
Classification: Benign for Hereditary diffuse gastric adenocarcinoma. Last evaluated: 2024-09-12. Review status: criteria provided, single submitter. Criteria: Myriad Autosomal Dominant, Autosomal Recessive and X-Linked Classification Criteria (2023). Collection method: clinical testing. Allele origin: unknown.
Comment: This variant is considered benign. This variant is a silent/synonymous amino acid change and it is not expected to impact splicing.

Women's Health and Genetics/Laboratory Corporation of America, LabCorp
Classification: Likely benign. Last evaluated: 2024-06-15. Review status: criteria provided, single submitter. Criteria: LabCorp Variant Classification Summary - May 2015. Collection method: clinical testing. Allele origin: germline.

Blueprint Genetics
Classification: Likely benign. Last evaluated: 2021-12-15. Review status: criteria provided, single submitter. Criteria: ACMG Guidelines, 2015. Collection method: clinical testing. Allele origin: germline.

GeneDx
Classification: Likely benign. Last evaluated: 2018-06-05. Review status: criteria provided, single submitter. Criteria: GeneDx Variant Classification Process June 2021. Collection method: clinical testing. Allele origin: germline. Affected: yes.

Color Diagnostics, LLC DBA Color Health
Classification: Likely benign for Hereditary cancer-predisposing syndrome. Last evaluated: 2017-09-08. Review status: criteria provided, single submitter. Criteria: ACMG Guidelines, 2015. Collection method: clinical testing. Allele origin: germline.

Ambry Genetics
Classification: Likely benign for Hereditary cancer-predisposing syndrome. Last evaluated: 2015-04-11. Review status: criteria provided, single submitter. Criteria: Ambry Variant Classification Scheme 2023. Collection method: clinical testing. Allele origin: germline.

NM_004360.5(CDH1):c.420C>G (p.Leu140=)

Gene: CDH1 (cadherin 1; plus strand). Cytogenetic location: 16q22.1.
Variant type: single nucleotide variant.
Coding change: c.420C>G on transcript NM_004360.5 (MANE Select); coding-DNA position 420, C replaced by G.
Protein change: p.Leu140=; no amino-acid change (leucine 140 retained).
Molecular consequence: synonymous variant. On other transcripts: 5 prime UTR variant (2).
Genome position (GRCh38, 1-based): chr16:68,808,456, C>G. VCF-style: chr16-68808456-C-G. GRCh37 (hg19) VCF-style: chr16-68842359-C-G.
Other names: c.420C>G (LRG_301t1); c.420C>G, p.Leu140= (NM_001317184.2); c.-1196C>G (NM_001317185.2); c.-1400C>G (NM_001317186.2).
Identifiers: ClinVar variation 184375 (VCV000184375.25), dbSNP rs763562818, ClinGen allele CA188778.
Genomic context (GRCh38, chr16:68,808,456, plus strand): 5'-TCTTGTTCCTCATCTTCTTTCCTTTTAGGCCTCCGTTTCTGGAATCCAAGCAGAATTGCT[C>G]ACATTTCCCAACTCCTCTCCTGGCCTCAGAAGACAGAAGAGAGACTGGGTTATTCCTCCC-3'
Protein context (NP_004351.1, residues 130-150): ASVSGIQAEL[Leu140=]TFPNSSPGLR